The following is an entry in ClinVar:

ClinVar aggregate classification (germline): Likely benign. Review status: criteria provided, single submitter (1 of 4 stars). 2 submissions from 2 submitters: Likely benign (1). 1 of the submissions does not count toward it. Last evaluated 2026-01-06.

Conditions:
CACNA1H-related disorder.
Idiopathic generalized epilepsy. Also called: Generalised epilepsy; EIG. Identifiers: MedGen C0270850, MONDO:0005579, OMIM 600669.
Hyperaldosteronism, familial, type IV (HALD4). Also called: FH IV; ALDOSTERONISM, PRIMARY, AND HYPERTENSION. Identifiers: Orphanet 642671, MedGen C4310756, MONDO:0014875, OMIM 617027.

gnomAD v4.1: 3 of 1,551,142 alleles (0.00019%); highest among the groups gnomAD compares: African/African-American, 0.0014%; no homozygotes.

Submissions (2):

Labcorp Genetics (formerly Invitae), Labcorp
Classification: Likely benign for Idiopathic generalized epilepsy; Hyperaldosteronism, familial, type IV. Last evaluated: 2026-01-06. Review status: criteria provided, single submitter. Criteria: Invitae Variant Classification Sherloc (09022015). Collection method: clinical testing. Allele origin: germline.

PreventionGenetics, part of Exact Sciences
Classification: Likely benign for CACNA1H-related condition. Last evaluated: 2019-03-15. Review status: no assertion criteria provided. Collection method: clinical testing. Allele origin: germline. Not counted in ClinVar's aggregate classification.
Comment: This variant is classified as likely benign based on ACMG/AMP sequence variant interpretation guidelines (Richards et al. 2015 PMID: 25741868, with internal and published modifications).

NM_021098.3(CACNA1H):c.6405C>G (p.Leu2135=)

Gene: CACNA1H (calcium voltage-gated channel subunit alpha1 H; plus strand). Cytogenetic location: 16p13.3.
Variant type: single nucleotide variant.
Coding change: c.6405C>G on transcript NM_021098.3 (MANE Select); coding-DNA position 6405, C replaced by G.
Protein change: p.Leu2135=; no amino-acid change (leucine 2135 retained).
Molecular consequence: synonymous variant.
Genome position (GRCh38, 1-based): chr16:1,220,337, C>G. VCF-style: chr16-1220337-C-G. GRCh37 (hg19) VCF-style: chr16-1270337-C-G.
Other names: c.6405C>G (NM_021098.2); c.6387C>G, p.Leu2129= (NM_001005407.2).
Identifiers: ClinVar variation 2926963 (VCV002926963.5), dbSNP rs763909046, ClinGen allele CA7802348.